The following is an entry in ClinVar:

ClinVar aggregate classification (germline): Uncertain significance (1 of 4 stars; one submission).

Conditions:
Benign neonatal seizures. Also called: Convulsions benign familial neonatal dominant form; Autosomal dominant form of benign neonatal seizures; Benign familial neonatal epilepsy; Benign familial neonatal seizures; Benign neonatal familial convulsions. Identifiers: Orphanet 1949, MedGen C0220669, MONDO:0016027.

Submission:

Labcorp Genetics (formerly Invitae), Labcorp
Classification: Uncertain significance for Benign neonatal seizures. Last evaluated: 2025-03-01. Review status: criteria provided, single submitter. Criteria: Invitae Variant Classification Sherloc (09022015). Collection method: clinical testing. Allele origin: germline.
Comment: This sequence change replaces proline, which is neutral and non-polar, with alanine, which is neutral and non-polar, at codon 96 of the KCNQ3 protein (p.Pro96Ala). This variant is not present in population databases (gnomAD no frequency). This variant has not been reported in the literature in individuals affected with KCNQ3-related conditions. Invitae Evidence Modeling of protein sequence and biophysical properties (such as structural, functional, and spatial information, amino acid conservation, physicochemical variation, residue mobility, and thermodynamic stability) indicates that this missense variant is not expected to disrupt KCNQ3 protein function with a negative predictive value of 80%. In summary, the available evidence is currently insufficient to determine the role of this variant in disease. Therefore, it has been classified as a Variant of Uncertain Significance.

NM_004519.4(KCNQ3):c.286C>G (p.Pro96Ala)

Gene: KCNQ3 (potassium voltage-gated channel subfamily Q member 3; minus strand). Cytogenetic location: 8q24.22.
Variant type: single nucleotide variant.
Coding change: c.286C>G on transcript NM_004519.4 (MANE Select); coding-DNA position 286, C replaced by G.
Protein change: p.Pro96Ala; replaces proline 96 with alanine.
Molecular consequence: missense variant.
Genome position (GRCh38, 1-based): chr8:132,480,247, G>C on the plus strand (C>G on the coding strand, the complement: KCNQ3 is on the minus strand). VCF-style: chr8-132480247-G-C. GRCh37 (hg19) VCF-style: chr8-133492494-G-C.
Other names: short protein forms P96A.
Identifiers: ClinVar variation 4767421 (VCV004767421.1).